The following is an entry in ClinVar:

NM_006421.5(ARFGEF1):c.1085A>G (p.Glu362Gly)

Gene: ARFGEF1 (ARF guanine nucleotide exchange factor 1; minus strand). Cytogenetic location: 8q13.2.
Variant type: single nucleotide variant.
Coding change: c.1085A>G on transcript NM_006421.5 (MANE Select); coding-DNA position 1085, A replaced by G.
Protein change: p.Glu362Gly; replaces glutamic acid 362 with glycine.
Molecular consequence: missense variant. On other transcripts: non-coding transcript variant (1), intron variant (1).
Genome position (GRCh38, 1-based): chr8:67,277,400, T>C on the plus strand (A>G on the coding strand, the complement: ARFGEF1 is on the minus strand). VCF-style: chr8-67277400-T-C. GRCh37 (hg19) VCF-style: chr8-68189635-T-C.
Other names: c.1085A>G, p.Glu362Gly (NM_001413184.1, NM_001413185.1, NM_001413186.1 and 7 more transcripts); c.485A>G, p.Glu162Gly (NM_001413188.1, NM_001413193.1, NM_001413197.1); c.-88-5464A>G (NM_001413196.1); short protein forms E162G, E362G.
Identifiers: ClinVar variation 3369875 (VCV003369875.1).

ClinVar aggregate classification (germline): Uncertain significance (1 of 4 stars; one submission).

Submission:

GeneDx
Classification: Uncertain significance. Last evaluated: 2024-02-26. Review status: criteria provided, single submitter. Criteria: GeneDx Variant Classification Process June 2021. Collection method: clinical testing. Allele origin: germline. Affected: yes.
Comment: Not observed at significant frequency in large population cohorts (gnomAD); In silico analysis supports that this missense variant does not alter protein structure/function; Has not been previously published as pathogenic or benign to our knowledge